The following is an entry in ClinVar:

NM_000051.4(ATM):c.5656C>T (p.Pro1886Ser)

Gene: ATM (ATM serine/threonine kinase; plus strand). Cytogenetic location: 11q22.3.
Variant type: single nucleotide variant.
Coding change: c.5656C>T on transcript NM_000051.4 (MANE Select); coding-DNA position 5656, C replaced by T.
Protein change: p.Pro1886Ser; replaces proline 1886 with serine.
Molecular consequence: missense variant.
Genome position (GRCh38, 1-based): chr11:108,304,834, C>T. VCF-style: chr11-108304834-C-T. GRCh37 (hg19) VCF-style: chr11-108175561-C-T.
Other names: c.5656C>T, p.Pro1886Ser (NM_001351834.2); short protein forms P1886S.
Identifiers: ClinVar variation 3452346 (VCV003452346.1).

ClinVar aggregate classification (germline): Uncertain significance (1 of 4 stars; one submission).

Conditions:
Hereditary cancer-predisposing syndrome. Also called: Tumor predisposition; Neoplastic Syndromes, Hereditary; Hereditary neoplastic syndrome; Hereditary Cancer Syndrome. Identifiers: Orphanet 140162, MedGen C0027672, MeSH D009386, MONDO:0015356.

Submission:

Ambry Genetics
Classification: Uncertain significance for Hereditary cancer-predisposing syndrome. Last evaluated: 2024-11-01. Review status: criteria provided, single submitter. Criteria: Ambry Variant Classification Scheme 2023. Collection method: clinical testing. Allele origin: germline.
Comment: The p.P1886S variant (also known as c.5656C>T), located in coding exon 36 of the ATM gene, results from a C to T substitution at nucleotide position 5656. The proline at codon 1886 is replaced by serine, an amino acid with similar properties. This amino acid position is conserved. In addition, the in silico prediction for this alteration is inconclusive. Based on the available evidence, the clinical significance of this variant remains unclear.